The following is an entry in ClinVar:

NM_152703.5(SAMD9L):c.208C>T (p.Arg70Cys)

Gene: SAMD9L (sterile alpha motif domain containing 9 like; minus strand). Cytogenetic location: 7q21.2.
Variant type: single nucleotide variant.
Coding change: c.208C>T on transcript NM_152703.5 (MANE Select); coding-DNA position 208, C replaced by T.
Protein change: p.Arg70Cys; replaces arginine 70 with cysteine.
Molecular consequence: missense variant.
Genome position (GRCh38, 1-based): chr7:93,135,764, G>A on the plus strand (C>T on the coding strand, the complement: SAMD9L is on the minus strand). VCF-style: chr7-93135764-G-A. GRCh37 (hg19) VCF-style: chr7-92765077-G-A.
Other names: c.208C>T (NM_152703.3); c.208C>T, p.Arg70Cys (NM_001303496.3, NM_001303497.3, NM_001303498.3 and 5 more transcripts); short protein forms R70C.
Identifiers: ClinVar variation 1049535 (VCV001049535.13), dbSNP rs372301151, ClinGen allele CA4343910.

ClinVar aggregate classification (germline): Conflicting classifications of pathogenicity. Review status: criteria provided, conflicting classifications (1 of 4 stars). 5 submissions from 5 submitters: Uncertain significance (3); Likely benign (1). 1 of the submissions does not count toward it. Last evaluated 2025-12-08.

Conditions:
Ataxia-pancytopenia syndrome (ATXPC). Also called: SAMD9L Ataxia-Pancytopenia Syndrome; SAMD9L-Related Syndrome. Identifiers: Orphanet 2585, MedGen C1327919, MONDO:0008038, OMIM 159550.

Allele frequency attached by ClinVar (database versions not stated): gnomAD 0.00011 and 0.00010; TOPMed 0.00009; gnomAD exomes 0.00011 and 0.00005; ExAC 0.00011; ESP Exome Variant Server 0.00015.

Submissions (5):

Labcorp Genetics (formerly Invitae), Labcorp
Classification: Likely benign. Last evaluated: 2025-12-08. Review status: criteria provided, single submitter. Criteria: Invitae Variant Classification Sherloc (09022015). Collection method: clinical testing. Allele origin: germline.

St. Jude Molecular Pathology, St. Jude Children's Research Hospital
Classification: Uncertain significance for Ataxia-pancytopenia syndrome. Last evaluated: 2025-06-17. Review status: criteria provided, single submitter. Criteria: St. Jude Assertion Criteria 2020. Collection method: clinical testing. Allele origin: germline.
Comment: The SAMD9L c.208C>T p.(Arg70Cys) missense change has a maximum non-founder subpopulation frequency of 0.02% in gnomAD v2.1.1. The in silico tool REVEL predicts a benign effect on protein function, but to our knowledge this prediction has not been confirmed by functional studies. In silico predictions have not been found to correlate with syndromic risk and are not considered supporting evidence of a pathogenic or benign effect (PMID: 34621053). To our knowledge, this variant has not been reported in individuals with ataxia-pancytopenia syndrome or monosomy 7 myelodysplasia and leukemia syndrome. In summary, the evidence currently available is insufficient to determine the clinical significance of this variant. It has therefore been classified as of uncertain significance.

Blueprint Genetics
Classification: Uncertain significance. Last evaluated: 2024-11-13. Review status: criteria provided, single submitter. Criteria: ACMG Guidelines, 2015. Collection method: clinical testing. Allele origin: germline.

GeneDx
Classification: Uncertain significance. Last evaluated: 2024-03-18. Review status: criteria provided, single submitter. Criteria: GeneDx Variant Classification Process June 2021. Collection method: clinical testing. Allele origin: germline. Affected: yes.
Comment: In silico analysis supports that this missense variant does not alter protein structure/function; Has not been previously published as pathogenic or benign to our knowledge

Department of Pathology and Laboratory Medicine, Sinai Health System
Classification: Uncertain significance. Review status: no assertion criteria provided. Collection method: clinical testing. Allele origin: unknown. Affected: yes. Study: The Canadian Open Genetics Repository (COGR). Not counted in ClinVar's aggregate classification.
Comment: The SAMD9L p.Arg70Cys variant was identified in the literature in 1 of 5 families with myelodysplasia and leukemia syndrome with monosomy 7 (Wong_2018_PMID:30046003). The variant was identified in dbSNP (ID: rs372301151) but was not identified in ClinVar. The variant was identified in control databases in 29 of 267976 chromosomes at a frequency of 0.0001082 (Genome Aggregation Database March 6, 2019, v2.1.1, non-cancer). The variant was observed in the following populations: Ashkenazi Jewish in 20 of 9856 chromosomes (freq: 0.002029), African in 4 of 23602 chromosomes (freq: 0.00017), Other in 1 of 6684 chromosomes (freq: 0.00015), Latino in 2 of 35032 chromosomes (freq: 0.000057) and European (non-Finnish) in 2 of 117992 chromosomes (freq: 0.000017), but was not observed in the East Asian, European (Finnish), or South Asian populations. The p.Arg70 residue is conserved in mammals and computational analyses (PolyPhen-2, SIFT, AlignGVGD, BLOSUM, MutationTaster) provide inconsistent predictions regarding the impact to the protein; this information is not very predictive of pathogenicity. The variant occurs outside of the splicing consensus sequence and in silico or computational prediction software programs (SpliceSiteFinder, MaxEntScan, NNSPLICE, GeneSplicer) do not predict a difference in splicing. In summary, based on the above information the clinical significance of this variant cannot be determined with certainty at this time. This variant is classified as a variant of uncertain significance.